The following is an entry in ClinVar:

NM_030962.4(SBF2):c.3931A>G (p.Lys1311Glu)

Gene: SBF2 (SET binding factor 2; minus strand). Cytogenetic location: 11p15.4.
Variant type: single nucleotide variant.
Coding change: c.3931A>G on transcript NM_030962.4 (MANE Select); coding-DNA position 3931, A replaced by G.
Protein change: p.Lys1311Glu; replaces lysine 1311 with glutamic acid.
Molecular consequence: missense variant.
Genome position (GRCh38, 1-based): chr11:9,816,887, T>C on the plus strand (A>G on the coding strand, the complement: SBF2 is on the minus strand). VCF-style: chr11-9816887-T-C. GRCh37 (hg19) VCF-style: chr11-9838434-T-C.
Other names: c.4027A>G, p.Lys1343Glu (NM_001386339.1); c.3802A>G, p.Lys1268Glu (NM_001386342.1); short protein forms K1311E, K1268E, K1343E.
Identifiers: ClinVar variation 576928 (VCV000576928.17), dbSNP rs200167746, ClinGen allele CA5881106.

ClinVar aggregate classification (germline): Uncertain significance. Review status: criteria provided, multiple submitters, no conflicts (2 of 4 stars). 4 submissions from 4 submitters: Uncertain significance (4). Last evaluated 2025-04-29.

Conditions:
Inborn genetic diseases. Identifiers: MedGen C0950123, MeSH D030342.
Charcot-Marie-Tooth disease type 4. Also called: Charcot-Marie-Tooth disease, type IV; Charcot-Marie-Tooth, Type 4. Identifiers: Orphanet 64749, MedGen C4082197, MONDO:0018995.

Allele frequency attached by ClinVar (database versions not stated): gnomAD 0.00001; gnomAD exomes 0.00002; ESP Exome Variant Server 0.00008; ExAC 0.00002; TOPMed 0.00005.
gnomAD v4.1: 32 of 1,614,030 alleles (0.002%); highest among the groups gnomAD compares: Non-Finnish European, 0.0025%; no homozygotes.

Submissions (4):

Labcorp Genetics (formerly Invitae), Labcorp
Classification: Uncertain significance for Charcot-Marie-Tooth disease type 4. Last evaluated: 2025-04-29. Review status: criteria provided, single submitter. Criteria: Invitae Variant Classification Sherloc (09022015). Collection method: clinical testing. Allele origin: germline.
Comment: This sequence change replaces lysine, which is basic and polar, with glutamic acid, which is acidic and polar, at codon 1311 of the SBF2 protein (p.Lys1311Glu). This variant is present in population databases (rs200167746, gnomAD 0.007%). This variant has not been reported in the literature in individuals affected with SBF2-related conditions. ClinVar contains an entry for this variant (Variation ID: 576928). Invitae Evidence Modeling of protein sequence and biophysical properties (such as structural, functional, and spatial information, amino acid conservation, physicochemical variation, residue mobility, and thermodynamic stability) indicates that this missense variant is not expected to disrupt SBF2 protein function with a negative predictive value of 80%. In summary, the available evidence is currently insufficient to determine the role of this variant in disease. Therefore, it has been classified as a Variant of Uncertain Significance.

GeneDx
Classification: Uncertain significance. Last evaluated: 2025-04-11. Review status: criteria provided, single submitter. Criteria: GeneDx Variant Classification Process June 2021. Collection method: clinical testing. Allele origin: germline. Affected: yes.
Comment: In silico analysis indicates that this missense variant does not alter protein structure/function; Has not been previously published as pathogenic or benign to our knowledge

Ambry Genetics
Classification: Uncertain significance for Inborn genetic diseases. Last evaluated: 2023-08-28. Review status: criteria provided, single submitter. Criteria: Ambry Variant Classification Scheme 2023. Collection method: clinical testing. Allele origin: germline.

Mayo Clinic Laboratories, Mayo Clinic
Classification: Uncertain significance. Last evaluated: 2019-12-10. Review status: criteria provided, single submitter. Criteria: ACMG Guidelines, 2015. Collection method: clinical testing. Allele origin: germline. Observed: 1 variant allele.